The following is an entry in ClinVar:

ClinVar aggregate classification (germline): Uncertain significance. Review status: criteria provided, multiple submitters, no conflicts (2 of 4 stars). 2 submissions from 2 submitters: Uncertain significance (2). Last evaluated 2022-12-19.

Conditions:
Inborn genetic diseases. Identifiers: MedGen C0950123, MeSH D030342.
Autosomal recessive distal spinal muscular atrophy 2. Also called: NEURONOPATHY, DISTAL HEREDITARY MOTOR, JERASH TYPE; NEUROPATHY, DISTAL HEREDITARY MOTOR, JERASH TYPE; SPINAL MUSCULAR ATROPHY, JERASH TYPE; NEUROPATHY, DISTAL HEREDITARY MOTOR, AUTOSOMAL RECESSIVE 2; Hereditary motor neuropathy, Jerash type; Motor neuropathy, distal, Jerash type. Identifiers: Orphanet 139552, MedGen C1854023, MONDO:0011585, OMIM 605726.
Amyotrophic lateral sclerosis type 16. Also called: AMYOTROPHIC LATERAL SCLEROSIS 16, JUVENILE. Identifiers: Orphanet 300605, MedGen C3280587, MONDO:0013715, OMIM 614373.

Allele frequency attached by ClinVar (database versions not stated): ExAC 0.00002; gnomAD exomes 0.00004 and 0.00002; gnomAD 0.00001; TOPMed 0.00001; ESP Exome Variant Server 0.00008.

Submissions (2):

Ambry Genetics
Classification: Uncertain significance for Inborn genetic diseases. Last evaluated: 2022-12-19. Review status: criteria provided, single submitter. Criteria: Ambry Variant Classification Scheme 2023. Collection method: clinical testing. Allele origin: germline.

Labcorp Genetics (formerly Invitae), Labcorp
Classification: Uncertain significance for Autosomal recessive distal spinal muscular atrophy 2; Amyotrophic lateral sclerosis type 16. Last evaluated: 2022-07-19. Review status: criteria provided, single submitter. Criteria: Invitae Variant Classification Sherloc (09022015). Collection method: clinical testing. Allele origin: germline.
Comment: This sequence change replaces valine, which is neutral and non-polar, with isoleucine, which is neutral and non-polar, at codon 177 of the SIGMAR1 protein (p.Val177Ile). This variant is present in population databases (rs149409262, gnomAD 0.004%). This variant has not been reported in the literature in individuals affected with SIGMAR1-related conditions. ClinVar contains an entry for this variant (Variation ID: 659848). Algorithms developed to predict the effect of missense changes on protein structure and function (SIFT, PolyPhen-2, Align-GVGD) all suggest that this variant is likely to be tolerated. In summary, the available evidence is currently insufficient to determine the role of this variant in disease. Therefore, it has been classified as a Variant of Uncertain Significance.

NM_005866.4(SIGMAR1):c.529G>A (p.Val177Ile)

Gene: SIGMAR1 (sigma receptor chaperone 1; minus strand). Cytogenetic location: 9p13.3.
Variant type: single nucleotide variant.
Coding change: c.529G>A on transcript NM_005866.4 (MANE Select); coding-DNA position 529, G replaced by A.
Protein change: p.Val177Ile; replaces valine 177 with isoleucine.
Molecular consequence: missense variant. On other transcripts: 3 prime UTR variant (2), non-coding transcript variant (1), intron variant (1).
Genome position (GRCh38, 1-based): chr9:34,635,775, C>T on the plus strand (G>A on the coding strand, the complement: SIGMAR1 is on the minus strand). VCF-style: chr9-34635775-C-T. GRCh37 (hg19) VCF-style: chr9-34635772-C-T.
Other names: c.529G>A (NM_005866.2); c.229G>A, p.Val77Ile (NM_001282206.2); c.469G>A, p.Val157Ile (NM_001282207.2); c.*72G>A (NM_001282208.2); c.*56G>A (NM_001282209.2); c.436G>A, p.Val146Ile (NM_147157.3); c.446-135G>A (NM_001282205.2); short protein forms V177I, V157I, V77I, V146I.
Identifiers: ClinVar variation 659848 (VCV000659848.7), dbSNP rs149409262, ClinGen allele CA5035843.